The following is an entry in ClinVar:

NM_000338.3(SLC12A1):c.421-1G>A

Gene: SLC12A1 (solute carrier family 12 member 1; plus strand). Cytogenetic location: 15q21.1.
Variant type: single nucleotide variant.
Coding change: c.421-1G>A on transcript NM_000338.3 (MANE Select); the canonical splice acceptor site of the intron before coding-DNA position 421, G replaced by A.
Molecular consequence: splice acceptor variant.
Genome position (GRCh38, 1-based): chr15:48,220,633, G>A. VCF-style: chr15-48220633-G-A. GRCh37 (hg19) VCF-style: chr15-48512830-G-A.
Other names: c.421-1G>A (NM_001384136.1, NM_001184832.2).
Identifiers: ClinVar variation 1804675 (VCV001804675.1), dbSNP rs2041199779, ClinGen allele CA392303763.

ClinVar aggregate classification (germline): Likely pathogenic (1 of 4 stars; one submission).

Conditions:
Bartter syndrome. Identifiers: Orphanet 112, MedGen C0004775, MONDO:0015231.

Allele frequency attached by ClinVar (database versions not stated): TOPMed below 0.00001.

Submission:

Women's Health and Genetics/Laboratory Corporation of America, LabCorp
Classification: Likely pathogenic for Bartter syndrome. Last evaluated: 2022-11-10. Review status: criteria provided, single submitter. Criteria: LabCorp Variant Classification Summary - May 2015. Collection method: clinical testing. Allele origin: germline.
Comment: Variant summary: SLC12A1 c.421-1G>A is located in a canonical splice-site and is predicted to affect mRNA splicing resulting in a significantly altered protein due to either exon skipping, shortening, or inclusion of intronic material. Several computational tools predict a significant impact on normal splicing: three predict the variant abolishes a 3 prime acceptor site. However, these predictions have yet to be confirmed by functional studies. The variant was absent in 248066 control chromosomes. To our knowledge, no occurrence of c.421-1G>A in individuals affected with Bartter Syndrome, Type 1 and no experimental evidence demonstrating its impact on protein function have been reported. No clinical diagnostic laboratories have submitted clinical-significance assessments for this variant to ClinVar after 2014. Based on the evidence outlined above, the variant was classified as likely pathogenic.